The following is an entry in ClinVar:

NM_000301.5(PLG):c.1748G>A (p.Gly583Glu)

Gene: PLG (plasminogen; plus strand). Cytogenetic location: 6q26.
Variant type: single nucleotide variant.
Coding change: c.1748G>A on transcript NM_000301.5 (MANE Select); coding-DNA position 1748, G replaced by A.
Protein change: p.Gly583Glu; replaces glycine 583 with glutamic acid.
Molecular consequence: missense variant.
Genome position (GRCh38, 1-based): chr6:160,736,953, G>A. VCF-style: chr6-160736953-G-A. GRCh37 (hg19) VCF-style: chr6-161157985-G-A.
Other names: short protein forms G583E.
Identifiers: ClinVar variation 2894588 (VCV002894588.4), dbSNP rs551058645, ClinGen allele CA4087873.

ClinVar aggregate classification (germline): Uncertain significance. Review status: criteria provided, single submitter (1 of 4 stars). 2 submissions from 2 submitters: Uncertain significance (1). 1 of the submissions does not count toward it. Last evaluated 2025-04-14.

Conditions:
PLG-related disorder. Also called: PLG-related condition.

gnomAD v4.1: 17 of 1,613,950 alleles (0.0011%); highest among the groups gnomAD compares: Non-Finnish European, 0.0014%; no homozygotes.

Submissions (2):

Labcorp Genetics (formerly Invitae), Labcorp
Classification: Uncertain significance. Last evaluated: 2025-04-14. Review status: criteria provided, single submitter. Criteria: Invitae Variant Classification Sherloc (09022015). Collection method: clinical testing. Allele origin: germline.
Comment: This sequence change replaces glycine, which is neutral and non-polar, with glutamic acid, which is acidic and polar, at codon 583 of the PLG protein (p.Gly583Glu). This variant is present in population databases (rs551058645, gnomAD 0.005%). This variant has not been reported in the literature in individuals affected with PLG-related conditions. ClinVar contains an entry for this variant (Variation ID: 2894588). Invitae Evidence Modeling of protein sequence and biophysical properties (such as structural, functional, and spatial information, amino acid conservation, physicochemical variation, residue mobility, and thermodynamic stability) indicates that this missense variant is not expected to disrupt PLG protein function with a negative predictive value of 80%. In summary, the available evidence is currently insufficient to determine the role of this variant in disease. Therefore, it has been classified as a Variant of Uncertain Significance.

PreventionGenetics, part of Exact Sciences
Classification: Uncertain significance for PLG-related condition. Last evaluated: 2024-04-10. Review status: no assertion criteria provided. Collection method: clinical testing. Allele origin: germline. Not counted in ClinVar's aggregate classification.
Comment: The PLG c.1748G>A variant is predicted to result in the amino acid substitution p.Gly583Glu. To our knowledge, this variant has not been reported in the literature. This variant is reported in 0.0044% of alleles in individuals of European (Non-Finnish) descent in gnomAD. At this time, the clinical significance of this variant is uncertain due to the absence of conclusive functional and genetic evidence.